The following is an entry in ClinVar:

NM_018089.3(ANKZF1):c.2156G>A (p.Arg719His)

Gene: ANKZF1 (ankyrin repeat and zinc finger peptidyl tRNA hydrolase 1; plus strand). Cytogenetic location: 2q35.
Variant type: single nucleotide variant.
Coding change: c.2156G>A on transcript NM_018089.3 (MANE Select); coding-DNA position 2156, G replaced by A.
Protein change: p.Arg719His; replaces arginine 719 with histidine.
Molecular consequence: missense variant.
Genome position (GRCh38, 1-based): chr2:219,236,420, G>A. VCF-style: chr2-219236420-G-A. GRCh37 (hg19) VCF-style: chr2-220101142-G-A.
Other names: c.2156G>A, p.Arg719His (NM_001042410.2); c.1526G>A, p.Arg509His (NM_001282792.2); short protein forms R719H, R509H.
Identifiers: ClinVar variation 1396644 (VCV001396644.6), dbSNP rs760285620, ClinGen allele CA2121333.

ClinVar aggregate classification (germline): Uncertain significance (1 of 4 stars; one submission).

Allele frequency attached by ClinVar (database versions not stated): gnomAD exomes below 0.00001 and 0.00001; ExAC 0.00001.
gnomAD v4.1: 12 of 1,609,702 alleles (0.00075%); highest among the groups gnomAD compares: Non-Finnish European, 0.001%; no homozygotes.

Submission:

Labcorp Genetics (formerly Invitae), Labcorp
Classification: Uncertain significance. Last evaluated: 2025-11-22. Review status: criteria provided, single submitter. Criteria: Invitae Variant Classification Sherloc (09022015). Collection method: clinical testing. Allele origin: germline.
Comment: This sequence change replaces arginine, which is basic and polar, with histidine, which is basic and polar, at codon 719 of the ANKZF1 protein (p.Arg719His). The frequency data for this variant in the population databases is considered unreliable, as metrics indicate poor data quality at this position in the gnomAD database. This variant has not been reported in the literature in individuals affected with ANKZF1-related conditions. ClinVar contains an entry for this variant (Variation ID: 1396644). An algorithm developed to predict the effect of missense changes on protein structure and function (PolyPhen-2) suggests that this variant is likely to be tolerated. In summary, the available evidence is currently insufficient to determine the role of this variant in disease. Therefore, it has been classified as a Variant of Uncertain Significance.